The following is an entry in ClinVar:

NM_033380.3(COL4A5):c.3058A>G (p.Ile1020Val)

Gene: COL4A5 (collagen type IV alpha 5 chain; plus strand). Cytogenetic location: Xq22.3.
Variant type: single nucleotide variant.
Coding change: c.3058A>G on transcript NM_033380.3 (MANE Select); coding-DNA position 3058, A replaced by G.
Protein change: p.Ile1020Val; replaces isoleucine 1020 with valine.
Molecular consequence: missense variant.
Genome position (GRCh38, 1-based): chrX:108,625,746, A>G. VCF-style: chrX-108625746-A-G. GRCh37 (hg19) VCF-style: chrX-107868976-A-G.
Other names: c.3058A>G, p.Ile1020Val (NM_000495.5); short protein forms I1020V.
Identifiers: ClinVar variation 4690610 (VCV004690610.1).

ClinVar aggregate classification (germline): Uncertain significance (1 of 4 stars; one submission).

gnomAD v4.1: 3 of 1,208,961 alleles (0.00025%); highest among the groups gnomAD compares: Admixed American, 0.0065%; no homozygotes.

Submission:

Labcorp Genetics (formerly Invitae), Labcorp
Classification: Uncertain significance. Last evaluated: 2025-06-17. Review status: criteria provided, single submitter. Criteria: Invitae Variant Classification Sherloc (09022015). Collection method: clinical testing. Allele origin: germline.
Comment: This sequence change replaces isoleucine, which is neutral and non-polar, with valine, which is neutral and non-polar, at codon 1020 of the COL4A5 protein (p.Ile1020Val). This variant is present in population databases (rs772935986, gnomAD 0.008%). This variant has not been reported in the literature in individuals affected with COL4A5-related conditions. Invitae Evidence Modeling of protein sequence and biophysical properties (such as structural, functional, and spatial information, amino acid conservation, physicochemical variation, residue mobility, and thermodynamic stability) indicates that this missense variant is not expected to disrupt COL4A5 protein function with a negative predictive value of 95%. In summary, the available evidence is currently insufficient to determine the role of this variant in disease. Therefore, it has been classified as a Variant of Uncertain Significance.